The following is an entry in ClinVar:

NM_014141.6(CNTNAP2):c.1671-1G>T

Gene: CNTNAP2 (contactin associated protein 2; plus strand). Cytogenetic location: 7q35.
Variant type: single nucleotide variant.
Coding change: c.1671-1G>T on transcript NM_014141.6 (MANE Select); the canonical splice acceptor site of the intron before coding-DNA position 1671, G replaced by T.
Molecular consequence: splice acceptor variant.
Genome position (GRCh38, 1-based): chr7:147,485,934, G>T. VCF-style: chr7-147485934-G-T. GRCh37 (hg19) VCF-style: chr7-147183026-G-T.
Other names: IVS10AS, G-T, -1.
Identifiers: ClinVar variation 5495 (VCV000005495.2), dbSNP rs730880276, ClinGen allele CA212836.

ClinVar aggregate classification (germline): Pathogenic. Review status: criteria provided, single submitter (1 of 4 stars). 2 submissions from 2 submitters: Pathogenic (1). 1 of the submissions does not count toward it. Last evaluated 2012-09-13.

Conditions:
Cortical dysplasia-focal epilepsy syndrome (PTHSL1). Also called: Pitt-Hopkins-like syndrome 1. Identifiers: Orphanet 163681, Orphanet 221150, MedGen C2750246, MONDO:0012400, OMIM 610042.

Allele frequency attached by ClinVar (database versions not stated): gnomAD exomes 0.00001.
gnomAD v4.1: 10 of 1,613,954 alleles (0.00062%); highest among the groups gnomAD compares: Non-Finnish European, 0.00076%; no homozygotes.

Submissions (2):

GeneDx
Classification: Pathogenic. Last evaluated: 2012-09-13. Review status: criteria provided, single submitter. Criteria: GeneDx Variant Classification (06012015). Collection method: clinical testing. Allele origin: germline. Affected: yes.
Comment: c.1671-1 G>T:IVS10-1 G>T in intron 10 of the CNTNAP2 gene (NM_014141.4). The c.1671-1 G>T splice site mutation in the CNTNAP2 gene was previously reported in an individual with clinical features suggestive of Pitt-Hopkins syndrome who had a partial deletion of CNTNAP2 on the other chromosome (Zweier et al., 2009). This mutation destroys the canonical splice acceptor site in intron 10 and is expected to cause abnormal gene splicing. The variant is found in EPILEPSY panel(s).

OMIM
Classification: Pathogenic for PITT-HOPKINS-LIKE SYNDROME 1. Last evaluated: 2009-11-01. Review status: no assertion criteria provided. Collection method: literature only. Allele origin: germline. Not counted in ClinVar's aggregate classification.

Literature cited by the submitters: PubMed 19896112 (cited by OMIM).